The following is an entry in ClinVar:

ClinVar aggregate classification (germline): Uncertain significance (1 of 4 stars; one submission).

Submission:

Labcorp Genetics (formerly Invitae), Labcorp
Classification: Uncertain significance. Last evaluated: 2022-11-22. Review status: criteria provided, single submitter. Criteria: Invitae Variant Classification Sherloc (09022015). Collection method: clinical testing. Allele origin: germline.
Comment: In summary, the available evidence is currently insufficient to determine the role of this variant in disease. Therefore, it has been classified as a Variant of Uncertain Significance. This variant has not been reported in the literature in individuals affected with ATF6-related conditions. This variant results in a copy number gain of the genomic region encompassing exon(s) 1-7 of the ATF6 gene. This region includes the initiator codon of the gene. This copy number gain extends beyond the assayed region for this gene and therefore may encompass additional genes. As the precise location of this event is unknown, it may be in tandem or it may be located elsewhere in the genome.

NC_000001.10:g.(?_161645027)_(161772082_?)dup

Genes: FCRLB (Fc receptor like B; plus strand), FCRLA (Fc receptor like A; plus strand), ATF6 (activating transcription factor 6; plus strand), DUSP12 (dual specificity phosphatase 12; plus strand), FCGR2B (Fc gamma receptor IIb; plus strand). Cytogenetic location: 1q23.3.
Variant type: Duplication.
Identifiers: ClinVar variation 1375513 (VCV001375513.5).